The following is an entry in ClinVar:

NM_003823.4(TNFRSF6B):c.563C>T (p.Ser188Phe)

Genes: RTEL1-TNFRSF6B (RTEL1-TNFRSF6B readthrough (NMD candidate); plus strand), TNFRSF6B (TNF receptor superfamily member 6b; plus strand). Cytogenetic location: 20q13.33.
Variant type: single nucleotide variant.
Coding change: c.563C>T on transcript NM_003823.4 (MANE Select); coding-DNA position 563, C replaced by T.
Protein change: p.Ser188Phe; replaces serine 188 with phenylalanine.
Molecular consequence: missense variant. On other transcripts: non-coding transcript variant (1).
Genome position (GRCh38, 1-based): chr20:63,697,466, C>T. VCF-style: chr20-63697466-C-T. GRCh37 (hg19) VCF-style: chr20-62328819-C-T.
Other names: short protein forms S188F.
Identifiers: ClinVar variation 3693439 (VCV003693439.2).

ClinVar aggregate classification (germline): Uncertain significance (1 of 4 stars; one submission).

Submission:

Labcorp Genetics (formerly Invitae), Labcorp
Classification: Uncertain significance. Last evaluated: 2024-08-09. Review status: criteria provided, single submitter. Criteria: Invitae Variant Classification Sherloc (09022015). Collection method: clinical testing. Allele origin: germline.
Comment: This sequence change replaces serine, which is neutral and polar, with phenylalanine, which is neutral and non-polar, at codon 188 of the TNFRSF6B protein (p.Ser188Phe). The frequency data for this variant in the population databases is considered unreliable, as metrics indicate poor data quality at this position in the gnomAD database. This variant has not been reported in the literature in individuals affected with TNFRSF6B-related conditions. An algorithm developed to predict the effect of missense changes on protein structure and function outputs the following: PolyPhen-2: "Benign". The phenylalanine amino acid residue is found in multiple mammalian species, which suggests that this missense change does not adversely affect protein function. In summary, the available evidence is currently insufficient to determine the role of this variant in disease. Therefore, it has been classified as a Variant of Uncertain Significance.